The following is an entry in ClinVar:

NM_001754.5(RUNX1):c.1033C>T (p.Pro345Ser)

Gene: RUNX1 (RUNX family transcription factor 1; minus strand). Cytogenetic location: 21q22.12.
Variant type: single nucleotide variant.
Coding change: c.1033C>T on transcript NM_001754.5 (MANE Select); coding-DNA position 1033, C replaced by T.
Protein change: p.Pro345Ser; replaces proline 345 with serine.
Molecular consequence: missense variant.
Genome position (GRCh38, 1-based): chr21:34,792,545, G>A on the plus strand (C>T on the coding strand, the complement: RUNX1 is on the minus strand). VCF-style: chr21-34792545-G-A. GRCh37 (hg19) VCF-style: chr21-36164842-G-A.
Other names: NM_001754.5(RUNX1):c.1033C>T; p.Pro345Ser; c.952C>T, p.Pro318Ser (NM_001001890.3); short protein forms P318S, P345S.
Identifiers: ClinVar variation 935710 (VCV000935710.9), dbSNP rs1234144396, ClinGen allele CA410148478.

ClinVar aggregate classification (germline): Uncertain significance. Review status: reviewed by expert panel (3 of 4 stars). 3 submissions from 3 submitters: Uncertain significance (1). 2 of the submissions do not count toward it. Last evaluated 2024-07-11.

Conditions:
Inborn genetic diseases. Identifiers: MedGen C0950123, MeSH D030342.
Hereditary thrombocytopenia and hematologic cancer predisposition syndrome. Identifiers: Orphanet 71290, MedGen CN281654, MONDO:0011071.
Hereditary thrombocytopenia and hematological cancer predisposition syndrome associated with RUNX1. Also called: PLATELET DISORDER, ASPIRIN-LIKE; Familial Platelet Disorder with Propensity to Acute Myelogenous Leukemia; Familial thrombocytopenia with propensity to acute myelogenous leukemia; RUNX1 Familial Platelet Disorder with Associated Myeloid Malignancies. Identifiers: Orphanet 71290, MedGen C1832388, MeSH C563324, MONDO:0100083, OMIM 601399.

Allele frequency attached by ClinVar (database versions not stated): TOPMed below 0.00001; gnomAD 0.00001; gnomAD exomes 0.00001.
gnomAD v4.1: 9 of 1,606,928 alleles (0.00056%); highest among the groups gnomAD compares: South Asian, 0.0011%; no homozygotes.

Submissions (3):

ClinGen Myeloid Malignancy Variant Curation Expert Panel
Classification: Uncertain significance for Hereditary thrombocytopenia and hematologic cancer predisposition syndrome. Last evaluated: 2024-07-11. Review status: reviewed by expert panel. Criteria: ClinGen MyeloMalig ACMG Specifications v2. Collection method: curation. Allele origin: germline. Inheritance: Autosomal dominant inheritance.
Comment: NM_001754.5(RUNX1):c.1033C>T (p.Pro345Ser) is a missense variant which has a REVEL score <0.50 (0.35) (BP4). In summary, the clinical significance of this variant is uncertain. ACMG/AMP criteria applied, as specified by the Myeloid Malignancy Variant Curation Expert Panel for RUNX1: BP4.

Ambry Genetics
Classification: Uncertain significance for Inborn genetic diseases. Last evaluated: 2025-03-14. Review status: criteria provided, single submitter. Criteria: Ambry Variant Classification Scheme 2023. Collection method: clinical testing. Allele origin: germline. Not counted in ClinVar's aggregate classification.
Comment: The p.P345S variant (also known as c.1033C>T), located in coding exon 8 of the RUNX1 gene, results from a C to T substitution at nucleotide position 1033. The proline at codon 345 is replaced by serine, an amino acid with similar properties. This amino acid position is conserved. In addition, this alteration is predicted to be tolerated by in silico analysis. Based on the available evidence, the clinical significance of this variant remains unclear.

Labcorp Genetics (formerly Invitae), Labcorp
Classification: Uncertain significance for Hereditary thrombocytopenia and hematological cancer predisposition syndrome associated with RUNX1. Last evaluated: 2024-02-19. Review status: criteria provided, single submitter. Criteria: Invitae Variant Classification Sherloc (09022015). Collection method: clinical testing. Allele origin: germline. Not counted in ClinVar's aggregate classification.
Comment: This sequence change replaces proline, which is neutral and non-polar, with serine, which is neutral and polar, at codon 345 of the RUNX1 protein (p.Pro345Ser). This variant is not present in population databases (gnomAD no frequency). This variant has not been reported in the literature in individuals affected with RUNX1-related conditions. ClinVar contains an entry for this variant (Variation ID: 935710). Advanced modeling of protein sequence and biophysical properties (such as structural, functional, and spatial information, amino acid conservation, physicochemical variation, residue mobility, and thermodynamic stability) performed at Invitae indicates that this missense variant is not expected to disrupt RUNX1 protein function with a negative predictive value of 80%. In summary, the available evidence is currently insufficient to determine the role of this variant in disease. Therefore, it has been classified as a Variant of Uncertain Significance.